The following is an entry in ClinVar:

ClinVar aggregate classification (germline): Uncertain significance (1 of 4 stars; one submission).

Conditions:
Mitochondrial hypertrophic cardiomyopathy with lactic acidosis due to MTO1 deficiency. Also called: Combined oxidative phosphorylation deficiency 10; CARDIOMYOPATHY, INFANTILE HYPERTROPHIC MITOCHONDRIAL, AND LACTIC ACIDOSIS. Identifiers: Orphanet 314637, MedGen C4749921, MONDO:0013865, OMIM 614702.

Submission:

Labcorp Genetics (formerly Invitae), Labcorp
Classification: Uncertain significance for Mitochondrial hypertrophic cardiomyopathy with lactic acidosis due to MTO1 deficiency. Last evaluated: 2021-06-26. Review status: criteria provided, single submitter. Criteria: Invitae Variant Classification Sherloc (09022015). Collection method: clinical testing. Allele origin: germline.
Comment: In summary, the available evidence is currently insufficient to determine the role of this variant in disease. Therefore, it has been classified as a Variant of Uncertain Significance. Algorithms developed to predict the effect of sequence changes on RNA splicing suggest that this variant may create or strengthen a splice site, but this prediction has not been confirmed by published transcriptional studies. Algorithms developed to predict the effect of missense changes on protein structure and function output the following: SIFT: "Tolerated"; PolyPhen-2: "Benign"; Align-GVGD: "Class C0". The serine amino acid residue is found in multiple mammalian species, suggesting that this missense change does not adversely affect protein function. These predictions have not been confirmed by published functional studies and their clinical significance is uncertain. This variant has not been reported in the literature in individuals with MTO1-related conditions. This variant is not present in population databases (ExAC no frequency). This sequence change replaces threonine with serine at codon 49 of the MTO1 protein (p.Thr49Ser). The threonine residue is moderately conserved and there is a small physicochemical difference between threonine and serine.

NM_012123.4(MTO1):c.146C>G (p.Thr49Ser)

Gene: MTO1 (mitochondrial tRNA translation optimization 1; plus strand). Cytogenetic location: 6q13.
Variant type: single nucleotide variant.
Coding change: c.146C>G on transcript NM_012123.4 (MANE Select); coding-DNA position 146, C replaced by G.
Protein change: p.Thr49Ser; replaces threonine 49 with serine.
Molecular consequence: missense variant.
Genome position (GRCh38, 1-based): chr6:73,462,000, C>G. VCF-style: chr6-73462000-C-G. GRCh37 (hg19) VCF-style: chr6-74171723-C-G.
Other names: c.146C>G, p.Thr49Ser (NM_001123226.2, NM_133645.3); short protein forms T49S.
Identifiers: ClinVar variation 1432651 (VCV001432651.8), dbSNP rs753822562, ClinGen allele CA364711988.